The following is an entry in ClinVar:

NM_014915.3(ANKRD26):c.2930G>A (p.Arg977Gln)

Gene: ANKRD26 (ankyrin repeat domain 26; minus strand). Cytogenetic location: 10p12.1.
Variant type: single nucleotide variant.
Coding change: c.2930G>A on transcript NM_014915.3 (MANE Select); coding-DNA position 2930, G replaced by A.
Protein change: p.Arg977Gln; replaces arginine 977 with glutamine.
Molecular consequence: missense variant.
Genome position (GRCh38, 1-based): chr10:27,035,520, C>T on the plus strand (G>A on the coding strand, the complement: ANKRD26 is on the minus strand). VCF-style: chr10-27035520-C-T. GRCh37 (hg19) VCF-style: chr10-27324449-C-T.
Other names: c.2927G>A, p.Arg976Gln (NM_001256053.2); short protein forms R976Q, R977Q.
Identifiers: ClinVar variation 2892359 (VCV002892359.3), dbSNP rs763003415, ClinGen allele CA5448125.

ClinVar aggregate classification (germline): Uncertain significance (1 of 4 stars; one submission).

Allele frequency attached by ClinVar (database versions not stated): gnomAD exomes below 0.00001; ExAC 0.00001.
gnomAD v4.1: 6 of 1,613,906 alleles (0.00037%); highest among the groups gnomAD compares: South Asian, 0.0022%; no homozygotes.

Submission:

Labcorp Genetics (formerly Invitae), Labcorp
Classification: Uncertain significance. Last evaluated: 2023-10-16. Review status: criteria provided, single submitter. Criteria: Invitae Variant Classification Sherloc (09022015). Collection method: clinical testing. Allele origin: germline.
Comment: This sequence change replaces arginine, which is basic and polar, with glutamine, which is neutral and polar, at codon 977 of the ANKRD26 protein (p.Arg977Gln). The frequency data for this variant in the population databases is considered unreliable, as metrics indicate poor data quality at this position in the gnomAD database. This variant has not been reported in the literature in individuals affected with ANKRD26-related conditions. Algorithms developed to predict the effect of missense changes on protein structure and function output the following: SIFT: "Not Available"; PolyPhen-2: "Benign"; Align-GVGD: "Not Available". The glutamine amino acid residue is found in multiple mammalian species, which suggests that this missense change does not adversely affect protein function. In summary, the available evidence is currently insufficient to determine the role of this variant in disease. Therefore, it has been classified as a Variant of Uncertain Significance.